The following is an entry in ClinVar:

ClinVar aggregate classification (germline): Uncertain significance (1 of 4 stars; one submission).

Conditions:
Hypertrophic cardiomyopathy 14. Identifiers: MedGen C2750467, MONDO:0013197, OMIM 613251.

gnomAD v4.1: 3 of 1,614,246 alleles (0.00019%); highest among the groups gnomAD compares: Non-Finnish European, 0.00017%; no homozygotes.

Submission:

Labcorp Genetics (formerly Invitae), Labcorp
Classification: Uncertain significance for Hypertrophic cardiomyopathy 14. Last evaluated: 2026-01-04. Review status: criteria provided, single submitter. Criteria: Invitae Variant Classification Sherloc (09022015). Collection method: clinical testing. Allele origin: germline.
Comment: This sequence change falls in intron 8 of the MYH6 gene. It does not directly change the encoded amino acid sequence of the MYH6 protein. It affects a nucleotide within the consensus splice site. This variant is not present in population databases (gnomAD no frequency). This variant has not been reported in the literature in individuals affected with MYH6-related conditions. Variants that disrupt the consensus splice site are a relatively common cause of aberrant splicing (PMID: 17576681, 9536098). Algorithms developed to predict the effect of sequence changes on RNA splicing suggest that this variant is not likely to affect RNA splicing. In summary, the available evidence is currently insufficient to determine the role of this variant in disease. Therefore, it has been classified as a Variant of Uncertain Significance.

Literature cited by the submitters: PubMed 17576681; PubMed 9536098.

NM_002471.4(MYH6):c.735+3G>A

Gene: MYH6 (myosin heavy chain 6; minus strand). Cytogenetic location: 14q11.2.
Variant type: single nucleotide variant.
Coding change: c.735+3G>A on transcript NM_002471.4 (MANE Select); 3 bases into the intron after coding-DNA position 735, G replaced by A.
Molecular consequence: intron variant.
Genome position (GRCh38, 1-based): chr14:23,404,293, C>T on the plus strand (G>A on the coding strand, the complement: MYH6 is on the minus strand). VCF-style: chr14-23404293-C-T. GRCh37 (hg19) VCF-style: chr14-23873502-C-T.
Identifiers: ClinVar variation 4691393 (VCV004691393.1).
Genomic context (GRCh38, chr14:23,404,293, plus strand): 5'-ACAGCACCCCCTTTTTCTTGTCAAGGCTGGATGAGGCCACTGGGAGTGGTCAAAGGCACT[C>T]ACAAAGCGGGAGGAGTTGTCGTTCCGGACAGTCTTGGCATTGCCGAAGGCCTCCAGAGCG-3'